The following is an entry in ClinVar:

NM_001134831.2(AHI1):c.412A>G (p.Thr138Ala)

Gene: AHI1 (Abelson helper integration site 1; minus strand). Cytogenetic location: 6q23.3.
Variant type: single nucleotide variant.
Coding change: c.412A>G on transcript NM_001134831.2 (MANE Select); coding-DNA position 412, A replaced by G.
Protein change: p.Thr138Ala; replaces threonine 138 with alanine.
Molecular consequence: missense variant.
Genome position (GRCh38, 1-based): chr6:135,466,151, T>C on the plus strand (A>G on the coding strand, the complement: AHI1 is on the minus strand). VCF-style: chr6-135466151-T-C. GRCh37 (hg19) VCF-style: chr6-135787289-T-C.
Other names: c.412A>G, p.Thr138Ala (NM_001134830.2, NM_001134832.2, NM_001350503.2 and 2 more transcripts); c.412A>G (NM_017651.4); short protein forms T138A.
Identifiers: ClinVar variation 2146445 (VCV002146445.4), dbSNP rs766703420, ClinGen allele CA365751728.
Genomic context (GRCh38, chr6:135,466,151, plus strand): 5'-GTGTTTTCTGGTGTGTAGAATCAACCTTATTCTCAGGAGTTTCCGGTTTCAGGTCTTGTG[T>C]AGTCAACTGGGGCACCGTCTTTATCACCTTTTTATTTGGCTTTCCTTGTTTGTCTTCCTC-3'
Protein context (NP_001128303.1, residues 128-148): KVIKTVPQLT[Thr138Ala]QDLKPETPEN

ClinVar aggregate classification (germline): Uncertain significance. Review status: criteria provided, multiple submitters, no conflicts (2 of 4 stars). 2 submissions from 2 submitters: Uncertain significance (2). Last evaluated 2026-08-24.

Conditions:
AHI1-related disorder. Also called: AHI1-related condition.
Joubert syndrome. Also called: JOUBERT-BOLTSHAUSER SYNDROME; Familial aplasia of the vermis. Identifiers: Orphanet 475, MedGen C5979921, MONDO:0018772.

Allele frequency attached by ClinVar (database versions not stated): gnomAD 0.00002; TOPMed 0.00002.
gnomAD v4.1: 13 of 1,613,858 alleles (0.00081%); highest among the groups gnomAD compares: Non-Finnish European, 0.0011%; no homozygotes.

Submissions (2):

PreventionGenetics, part of Exact Sciences
Classification: Uncertain significance for AHI1-related condition. Last evaluated: 2026-08-24. Review status: criteria provided, single submitter. Criteria: ACMG Guidelines, 2015. Collection method: clinical testing. Allele origin: germline.
Comment: The AHI1 c.412A>G variant is predicted to result in the amino acid substitution p.Thr138Ala. To our knowledge, this variant has not been reported in the literature or in a large population database (gnomAD), indicating this variant is rare. At this time, the clinical significance of this variant is uncertain due to the absence of conclusive functional and genetic evidence.

Labcorp Genetics (formerly Invitae), Labcorp
Classification: Uncertain significance for Joubert syndrome. Last evaluated: 2024-07-29. Review status: criteria provided, single submitter. Criteria: Invitae Variant Classification Sherloc (09022015). Collection method: clinical testing. Allele origin: germline.
Comment: This sequence change replaces threonine, which is neutral and polar, with alanine, which is neutral and non-polar, at codon 138 of the AHI1 protein (p.Thr138Ala). This variant is not present in population databases (gnomAD no frequency). This variant has not been reported in the literature in individuals affected with AHI1-related conditions. ClinVar contains an entry for this variant (Variation ID: 2146445). Advanced modeling of protein sequence and biophysical properties (such as structural, functional, and spatial information, amino acid conservation, physicochemical variation, residue mobility, and thermodynamic stability) performed at Invitae indicates that this missense variant is not expected to disrupt AHI1 protein function with a negative predictive value of 95%. In summary, the available evidence is currently insufficient to determine the role of this variant in disease. Therefore, it has been classified as a Variant of Uncertain Significance.